The following is an entry in ClinVar:

ClinVar aggregate classification (germline): Uncertain significance (1 of 4 stars; one submission).

Conditions:
Multiple endocrine neoplasia type 4. Also called: MULTIPLE ENDOCRINE NEOPLASIA, TYPE IV. Identifiers: Orphanet 276152, MedGen C1970712, MONDO:0012552, OMIM 610755.

Submission:

Labcorp Genetics (formerly Invitae), Labcorp
Classification: Uncertain significance for Multiple endocrine neoplasia type 4. Last evaluated: 2019-07-09. Review status: criteria provided, single submitter. Criteria: Invitae Variant Classification Sherloc (09022015). Collection method: clinical testing. Allele origin: germline.
Comment: This variant results in a copy number gain of the genomic region encompassing the full coding sequence of the CDKN1B gene. The boundaries of this event are unknown as they extend beyond the assayed region for this gene and therefore may encompass additional genes. As the precise location of this event is unknown, it may be in tandem or it may be located elsewhere in the genome. This variant has not been reported in the literature in individuals with CDKN1B-related conditions. In summary, the available evidence is currently insufficient to determine the role of this variant in disease. Therefore, it has been classified as a Variant of Uncertain Significance.

NC_000012.11:g.(?_12870764)_(12871890_?)dup

Gene: CDKN1B (cyclin dependent kinase inhibitor 1B; plus strand). Cytogenetic location: 12p13.1.
Variant type: Duplication.
Identifiers: ClinVar variation 583825 (VCV000583825.5).